The following is an entry in ClinVar:

ClinVar aggregate classification (germline): Uncertain significance. Review status: criteria provided, multiple submitters, no conflicts (2 of 4 stars). 2 submissions from 2 submitters: Uncertain significance (2). Last evaluated 2024-01-19.

Conditions:
Inborn genetic diseases. Identifiers: MedGen C0950123, MeSH D030342.
Citrin deficiency. Identifiers: Orphanet 247582, MedGen C1997910, MONDO:0016602.

Allele frequency attached by ClinVar (database versions not stated): ExAC 0.00001; gnomAD 0.00001; TOPMed 0.00001; gnomAD exomes 0.00002 and 0.00003.
gnomAD v4.1: 11 of 1,613,760 alleles (0.00068%); highest among the groups gnomAD compares: Admixed American, 0.015%; no homozygotes.

Submissions (2):

Ambry Genetics
Classification: Uncertain significance for Inborn genetic diseases. Last evaluated: 2024-01-19. Review status: criteria provided, single submitter. Criteria: Ambry Variant Classification Scheme 2023. Collection method: clinical testing. Allele origin: germline.

Labcorp Genetics (formerly Invitae), Labcorp
Classification: Uncertain significance for Citrin deficiency. Last evaluated: 2021-11-19. Review status: criteria provided, single submitter. Criteria: Invitae Variant Classification Sherloc (09022015). Collection method: clinical testing. Allele origin: germline.
Comment: This sequence change replaces phenylalanine, which is neutral and non-polar, with leucine, which is neutral and non-polar, at codon 480 of the SLC25A13 protein (p.Phe480Leu). This variant is present in population databases (rs759905821, gnomAD 0.02%). This variant has not been reported in the literature in individuals affected with SLC25A13-related conditions. Advanced modeling of protein sequence and biophysical properties (such as structural, functional, and spatial information, amino acid conservation, physicochemical variation, residue mobility, and thermodynamic stability) performed at Invitae indicates that this missense variant is not expected to disrupt SLC25A13 protein function. In summary, the available evidence is currently insufficient to determine the role of this variant in disease. Therefore, it has been classified as a Variant of Uncertain Significance.

NM_014251.3(SLC25A13):c.1438T>C (p.Phe480Leu)

Gene: SLC25A13 (solute carrier family 25 member 13; minus strand). Cytogenetic location: 7q21.3.
Variant type: single nucleotide variant.
Coding change: c.1438T>C on transcript NM_014251.3 (MANE Select); coding-DNA position 1438, T replaced by C.
Protein change: p.Phe480Leu; replaces phenylalanine 480 with leucine.
Molecular consequence: missense variant. On other transcripts: non-coding transcript variant (1).
Genome position (GRCh38, 1-based): chr7:96,146,570, A>G on the plus strand (T>C on the coding strand, the complement: SLC25A13 is on the minus strand). VCF-style: chr7-96146570-A-G. GRCh37 (hg19) VCF-style: chr7-95775882-A-G.
Other names: c.1441T>C, p.Phe481Leu (NM_001160210.2); c.1438T>C (NM_014251.2); short protein forms F481L, F480L.
Identifiers: ClinVar variation 1414196 (VCV001414196.4), dbSNP rs759905821, ClinGen allele CA4352924.